The following is an entry in ClinVar:

NM_001039591.3(USP9X):c.5542C>G (p.Gln1848Glu)

Gene: USP9X (ubiquitin specific peptidase 9 X-linked; plus strand). Cytogenetic location: Xp11.4.
Variant type: single nucleotide variant.
Coding change: c.5542C>G on transcript NM_001039591.3 (MANE Select); coding-DNA position 5542, C replaced by G.
Protein change: p.Gln1848Glu; replaces glutamine 1848 with glutamic acid.
Molecular consequence: missense variant.
Genome position (GRCh38, 1-based): chrX:41,216,109, C>G. VCF-style: chrX-41216109-C-G. GRCh37 (hg19) VCF-style: chrX-41075362-C-G.
Other names: c.5542C>G (NM_001039590.2); c.5542C>G, p.Gln1848Glu (NM_001039590.3); c.5557C>G, p.Gln1853Glu (NM_001410748.1, NM_001410749.1); short protein forms Q1848E, Q1853E.
Identifiers: ClinVar variation 1905910 (VCV001905910.7), dbSNP rs781154847, ClinGen allele CA10389005.

ClinVar aggregate classification (germline): Benign. Review status: criteria provided, single submitter (1 of 4 stars). 2 submissions from 2 submitters: Benign (1). 1 of the submissions does not count toward it. Last evaluated 2025-07-23.

Conditions:
USP9X-related disorder. Also called: USP9X-related condition.

Allele frequency attached by ClinVar (database versions not stated): gnomAD 0.00003.
gnomAD v4.1: 30 of 1,209,768 alleles (0.0025%); highest among the groups gnomAD compares: East Asian, 0.089%; no homozygotes.

Submissions (2):

Labcorp Genetics (formerly Invitae), Labcorp
Classification: Benign. Last evaluated: 2025-07-23. Review status: criteria provided, single submitter. Criteria: Invitae Variant Classification Sherloc (09022015). Collection method: clinical testing. Allele origin: germline.

PreventionGenetics, part of Exact Sciences
Classification: Likely benign for USP9X-related condition. Last evaluated: 2023-02-15. Review status: no assertion criteria provided. Collection method: clinical testing. Allele origin: germline. Not counted in ClinVar's aggregate classification.
Comment: This variant is classified as likely benign based on ACMG/AMP sequence variant interpretation guidelines (Richards et al. 2015 PMID: 25741868, with internal and published modifications).